The following is an entry in ClinVar:

NM_000548.5(TSC2):c.3379C>A (p.Arg1127=)

Gene: TSC2 (TSC complex subunit 2; plus strand). Cytogenetic location: 16p13.3.
Variant type: single nucleotide variant.
Coding change: c.3379C>A on transcript NM_000548.5 (MANE Select); coding-DNA position 3379, C replaced by A.
Protein change: p.Arg1127=; no amino-acid change (arginine 1127 retained).
Molecular consequence: synonymous variant. On other transcripts: non-coding transcript variant (5).
Genome position (GRCh38, 1-based): chr16:2,079,651, C>A. VCF-style: chr16-2079651-C-A. GRCh37 (hg19) VCF-style: chr16-2129652-C-A.
Other names: c.3247C>A, p.Arg1083= (NM_001077183.3, NM_001370404.1, NM_001406665.1); c.3379C>A, p.Arg1127= (NM_001114382.3); c.3139C>A, p.Arg1047= (NM_001318827.2); c.3103C>A, p.Arg1035= (NM_001318829.2); c.2647C>A, p.Arg883= (NM_001318831.2, NM_001406687.1, NM_001406688.1); c.3280C>A, p.Arg1094= (NM_001318832.2); c.3250C>A, p.Arg1084= (NM_001363528.2, NM_001370405.1, NM_021055.3); c.3376C>A, p.Arg1126= (NM_001406663.1, NM_001406664.1); and 18 more.
Identifiers: ClinVar variation 4071094 (VCV004071094.1).

ClinVar aggregate classification (germline): Benign (1 of 4 stars; one submission).

Conditions:
Tuberous sclerosis 2 (TSC2). Identifiers: Orphanet 805, MedGen C1860707, MONDO:0013199, OMIM 613254.

Submission:

Myriad Genetics, Inc.
Classification: Benign for Tuberous sclerosis 2. Last evaluated: 2025-05-29. Review status: criteria provided, single submitter. Criteria: Myriad Autosomal Dominant, Autosomal Recessive and X-Linked Classification Criteria (2023). Collection method: clinical testing. Allele origin: unknown.
Comment: This variant is considered benign. This variant is a silent/synonymous amino acid change and it is not expected to impact splicing.